The following is an entry in ClinVar:

NM_005560.6(LAMA5):c.10753G>T (p.Asp3585Tyr)

Gene: LAMA5 (laminin subunit alpha 5; minus strand). Cytogenetic location: 20q13.33.
Variant type: single nucleotide variant.
Coding change: c.10753G>T on transcript NM_005560.6 (MANE Select); coding-DNA position 10753, G replaced by T.
Protein change: p.Asp3585Tyr; replaces aspartic acid 3585 with tyrosine.
Molecular consequence: missense variant.
Genome position (GRCh38, 1-based): chr20:62,310,063, C>A on the plus strand (G>T on the coding strand, the complement: LAMA5 is on the minus strand). VCF-style: chr20-62310063-C-A. GRCh37 (hg19) VCF-style: chr20-60885119-C-A.
Other names: c.10753G>T (NM_005560.4); short protein forms D3585Y.
Identifiers: ClinVar variation 2038111 (VCV002038111.27), dbSNP rs41310831, ClinGen allele CA9939630.
Genomic context (GRCh38, chr20:62,310,063, plus strand): 5'-ACTGGCCATCACACAGCACTGAGGGGCGGGTCACTGACGTGGAGAACTCCCCTGCTCCGT[C>A]ATCCGCCCGCAGCAGGACCTGGCGGGGTAGGAAGGGAGGGTCAGGCTATGCCCCCGAGGT-3'
Protein context (NP_005551.3, residues 3575-3595): TEKQVLLRAD[Asp3585Tyr]GAGEFSTSVT

ClinVar aggregate classification (germline): Likely benign. Review status: criteria provided, multiple submitters, no conflicts (2 of 4 stars). 4 submissions from 4 submitters: Likely benign (3). 1 of the submissions does not count toward it. Last evaluated 2025-12-31.

Conditions:
LAMA5-related disorder. Also called: LAMA5-Related Disorders; LAMA5-related condition.

Allele frequency attached by ClinVar (database versions not stated): 1000 Genomes Project 30x 0.00062; 1000 Genomes Project 0.00080; gnomAD 0.00138; ESP Exome Variant Server 0.00154; TOPMed 0.00141; ExAC 0.00165; gnomAD exomes 0.00200.
gnomAD v4.1: 3,137 of 1,611,250 alleles (0.19%); highest among the groups gnomAD compares: Non-Finnish European, 0.23%; 7 homozygotes.

Submissions (4):

Labcorp Genetics (formerly Invitae), Labcorp
Classification: Likely benign. Last evaluated: 2025-12-31. Review status: criteria provided, single submitter. Criteria: Invitae Variant Classification Sherloc (09022015). Collection method: clinical testing. Allele origin: germline.

Blueprint Genetics
Classification: Likely benign. Last evaluated: 2024-11-05. Review status: criteria provided, single submitter. Criteria: ACMG Guidelines, 2015. Collection method: clinical testing. Allele origin: germline.

CeGaT Center for Human Genetics Tuebingen
Classification: Likely benign. Last evaluated: 2024-03-01. Review status: criteria provided, single submitter. Criteria: CeGaT Center For Human Genetics Tuebingen Variant Classification Criteria Version 2. Collection method: clinical testing. Allele origin: germline. Affected: yes. Observed: 1 variant allele.
Comment: LAMA5: BS2

PreventionGenetics, part of Exact Sciences
Classification: Likely benign for LAMA5-related condition. Last evaluated: 2021-11-30. Review status: no assertion criteria provided. Collection method: clinical testing. Allele origin: germline. Not counted in ClinVar's aggregate classification.
Comment: This variant is classified as likely benign based on ACMG/AMP sequence variant interpretation guidelines (Richards et al. 2015 PMID: 25741868, with internal and published modifications).